The following is an entry in ClinVar:

ClinVar aggregate classification (germline): Likely benign (1 of 4 stars; one submission).

Allele frequency attached by ClinVar (database versions not stated): gnomAD 0.00002; TOPMed 0.00002; ExAC 0.00005.

Submission:

CeGaT Center for Human Genetics Tuebingen
Classification: Likely benign. Last evaluated: 2023-04-01. Review status: criteria provided, single submitter. Criteria: CeGaT Center For Human Genetics Tuebingen Variant Classification Criteria Version 2. Collection method: clinical testing. Allele origin: germline. Affected: yes. Observed: 1 variant allele.
Comment: SMARCE1: BP4, BP7

NM_003079.5(SMARCE1):c.156+27C>T

Gene: SMARCE1 (SWI/SNF related BAF chromatin remodeling complex subunit E1; minus strand). Cytogenetic location: 17q21.2.
Variant type: single nucleotide variant.
Coding change: c.156+27C>T on transcript NM_003079.5 (MANE Select); 27 bases into the intron after coding-DNA position 156, C replaced by T.
Molecular consequence: intron variant.
Genome position (GRCh38, 1-based): chr17:40,642,428, G>A on the plus strand (C>T on the coding strand, the complement: SMARCE1 is on the minus strand). VCF-style: chr17-40642428-G-A. GRCh37 (hg19) VCF-style: chr17-38798680-G-A.
Identifiers: ClinVar variation 2647743 (VCV002647743.24), dbSNP rs746683654, ClinGen allele CA8545315.